The following is an entry in ClinVar:

NM_006231.4(POLE):c.5831G>A (p.Gly1944Glu)

Gene: POLE (DNA polymerase epsilon, catalytic subunit; minus strand). Cytogenetic location: 12q24.33.
Variant type: single nucleotide variant.
Coding change: c.5831G>A on transcript NM_006231.4 (MANE Select); coding-DNA position 5831, G replaced by A.
Protein change: p.Gly1944Glu; replaces glycine 1944 with glutamic acid.
Molecular consequence: missense variant.
Genome position (GRCh38, 1-based): chr12:132,634,359, C>T on the plus strand (G>A on the coding strand, the complement: POLE is on the minus strand). VCF-style: chr12-132634359-C-T. GRCh37 (hg19) VCF-style: chr12-133210945-C-T.
Other names: c.5831G>A (NM_006231.2); short protein forms G1944E.
Identifiers: ClinVar variation 1435663 (VCV001435663.9), dbSNP rs2138475576, ClinGen allele CA387371859.
Genomic context (GRCh38, chr12:132,634,359, plus strand): 5'-TCCTCCTCCCCATCTCTTTCCTCCTCATCGTCCTCATTTTCCTGCTCATCCTCTGCTCCC[C>T]CTGCTTTCTGGGAGTCTTGCTGTAACACATGAGACAACGCGGCTGTGTTTGCACCATCGC-3'
Protein context (NP_006222.2, residues 1934-1954): HCGLQDSQKA[Gly1944Glu]GAEDEQENED

ClinVar aggregate classification (germline): Conflicting classifications of pathogenicity. Review status: criteria provided, conflicting classifications (1 of 4 stars). 2 submissions from 2 submitters: Uncertain significance (1); Likely benign (1). Last evaluated 2025-07-03.

Conditions:
Hereditary cancer-predisposing syndrome. Also called: Neoplastic Syndromes, Hereditary; Hereditary Cancer Syndrome; Hereditary neoplastic syndrome; Tumor predisposition. Identifiers: Orphanet 140162, MedGen C0027672, MeSH D009386, MONDO:0015356.

gnomAD v4.1: 1 of 1,613,548 alleles (0.000062%); highest among the groups gnomAD compares: Non-Finnish European, 0.000085%; no homozygotes.

Submissions (2):

Ambry Genetics
Classification: Likely benign for Hereditary cancer-predisposing syndrome. Last evaluated: 2025-07-03. Review status: criteria provided, single submitter. Criteria: Ambry Variant Classification Scheme 2023. Collection method: clinical testing. Allele origin: germline.

Labcorp Genetics (formerly Invitae), Labcorp
Classification: Uncertain significance. Last evaluated: 2021-04-23. Review status: criteria provided, single submitter. Criteria: Invitae Variant Classification Sherloc (09022015). Collection method: clinical testing. Allele origin: germline.
Comment: In summary, the available evidence is currently insufficient to determine the role of this variant in disease. Therefore, it has been classified as a Variant of Uncertain Significance. Algorithms developed to predict the effect of missense changes on protein structure and function output the following: SIFT: "Tolerated"; PolyPhen-2: "Benign"; Align-GVGD: "Class C0". The glutamic acid amino acid residue is found in multiple mammalian species, suggesting that this missense change does not adversely affect protein function. These predictions have not been confirmed by published functional studies and their clinical significance is uncertain. This variant has not been reported in the literature in individuals with POLE-related conditions. This variant is not present in population databases (ExAC no frequency). This sequence change replaces glycine with glutamic acid at codon 1944 of the POLE protein (p.Gly1944Glu). The glycine residue is weakly conserved and there is a moderate physicochemical difference between glycine and glutamic acid.